The following is an entry in ClinVar:

ClinVar aggregate classification (germline): Uncertain significance (1 of 4 stars; one submission).

Conditions:
Hereditary breast ovarian cancer syndrome. Also called: Hereditary breast and/or ovarian cancer syndrome; Hereditary breast and ovarian cancer syndrome (HBOC); Breast and ovarian cancer; Hereditary breast and ovarian cancer; BRCA1- and BRCA2-Associated Hereditary Breast and Ovarian Cancer; Hereditary breast and ovarian cancer syndrome. Identifiers: Orphanet 145, MedGen C0677776, MeSH D061325, MONDO:0003582. Disease mechanism: loss of function.

Submission:

Labcorp Genetics (formerly Invitae), Labcorp
Classification: Uncertain significance for Hereditary breast ovarian cancer syndrome. Last evaluated: 2023-08-28. Review status: criteria provided, single submitter. Criteria: Invitae Variant Classification Sherloc (09022015). Collection method: clinical testing. Allele origin: germline.
Comment: In summary, the available evidence is currently insufficient to determine the role of this variant in disease. Therefore, it has been classified as a Variant of Uncertain Significance. Experimental studies and prediction algorithms are not available or were not evaluated, and the functional significance of this variant is currently unknown. This variant has not been reported in the literature in individuals affected with BRCA2-related conditions. This variant results in a copy number gain of the genomic region encompassing exon(s) 1-3 of the BRCA2 gene. This region includes the initiator codon of the gene. This copy number gain extends beyond the assayed region for this gene and therefore may encompass additional genes. As the precise location of this event is unknown, it may be in tandem or it may be located elsewhere in the genome.

NC_000013.11:g.(?_32315480)_(32319345_?)dup

Gene: BRCA2 (BRCA2 DNA repair associated; plus strand). Cytogenetic location: 13q13.1.
Variant type: Duplication.
Identifiers: ClinVar variation 833282 (VCV000833282.9).